The following is an entry in ClinVar:

NM_001165963.4(SCN1A):c.626_694+31del

Gene: SCN1A (sodium voltage-gated channel alpha subunit 1; minus strand). Cytogenetic location: 2q24.3.
Variant type: Deletion.
Coding change: c.626_694+31del on transcript NM_001165963.4 (MANE Select); coding-DNA position 626 through 31 bases into the intron after coding-DNA position 694, 100 bases deleted.
Molecular consequence: splice donor variant.
Genome position (GRCh38, 1-based): chr2:166,052,821-166,052,920, 100 bases deleted. GRCh37 (hg19): chr2:166,909,336-166,909,435.
Other names: c.626_694+31del (NM_001353949.2, NM_001353958.2, NM_001353950.2 and 10 more transcripts); c.-1800_-1732+31del (NM_001353961.2).
Identifiers: ClinVar variation 2651502 (VCV002651502.24), dbSNP rs2468232013, ClinGen allele CA2695197069.

ClinVar aggregate classification (germline): Pathogenic (1 of 4 stars; one submission).

Submission:

CeGaT Center for Human Genetics Tuebingen
Classification: Pathogenic. Last evaluated: 2023-10-01. Review status: criteria provided, single submitter. Criteria: CeGaT Center For Human Genetics Tuebingen Variant Classification Criteria Version 2. Collection method: clinical testing. Allele origin: germline. Affected: yes. Observed: 1 variant allele.
Comment: SCN1A: PVS1, PM2